The following is an entry in ClinVar:

NM_020765.3(UBR4):c.9447T>A (p.Ala3149=)

Gene: UBR4 (ubiquitin protein ligase E3 component n-recognin 4; minus strand). Cytogenetic location: 1p36.13.
Variant type: single nucleotide variant.
Coding change: c.9447T>A on transcript NM_020765.3 (MANE Select); coding-DNA position 9447, T replaced by A.
Protein change: p.Ala3149=; no amino-acid change (alanine 3149 retained).
Molecular consequence: synonymous variant.
Genome position (GRCh38, 1-based): chr1:19,124,682, A>T on the plus strand (T>A on the coding strand, the complement: UBR4 is on the minus strand). VCF-style: chr1-19124682-A-T. GRCh37 (hg19) VCF-style: chr1-19451176-A-T.
Other names: NC_000001.10:g.19451176A>T.
Identifiers: ClinVar variation 774789 (VCV000774789.31), dbSNP rs35466973, ClinGen allele CA649442.

ClinVar aggregate classification (germline): Benign. Review status: criteria provided, multiple submitters, no conflicts (2 of 4 stars). 4 submissions from 4 submitters: Benign (3). 1 of the submissions does not count toward it. Last evaluated 2023-02-01.

Conditions:
UBR4-related disorder. Also called: UBR4-related condition.

Allele frequency attached by ClinVar (database versions not stated): 1000 Genomes Project 0.00359; 1000 Genomes Project 30x 0.00375; ExAC 0.00528; TOPMed 0.00534; gnomAD 0.00540 and 0.00554; gnomAD exomes 0.00547 and 0.00795; ESP Exome Variant Server 0.00592.
gnomAD v4.1: 12,373 of 1,613,178 alleles (0.77%); highest among the groups gnomAD compares: Non-Finnish European, 0.91%; 66 homozygotes.

Submissions (40):

CeGaT Center for Human Genetics Tuebingen
Classification: Benign. Last evaluated: 2023-02-01. Review status: criteria provided, single submitter. Criteria: CeGaT Center For Human Genetics Tuebingen Variant Classification Criteria Version 2. Collection method: clinical testing. Allele origin: germline. Affected: yes. Observed: 4 variant alleles.
Comment: UBR4: BP4, BP7, BS1, BS2

Labcorp Genetics (formerly Invitae), Labcorp
Classification: Benign. Last evaluated: 2019-12-31. Review status: criteria provided, single submitter. Criteria: Invitae Variant Classification Sherloc (09022015). Collection method: clinical testing. Allele origin: germline.

Breakthrough Genomics
Classification: Benign. Review status: criteria provided, single submitter. Criteria: ACMG Guidelines, 2015. Collection method: not provided. Allele origin: germline. Inheritance: Unknown mechanism. Affected: yes.

PreventionGenetics, part of Exact Sciences
Classification: Benign for UBR4-related condition. Last evaluated: 2019-02-28. Review status: no assertion criteria provided. Collection method: clinical testing. Allele origin: germline. Not counted in ClinVar's aggregate classification.
Comment: This variant is classified as benign based on ACMG/AMP sequence variant interpretation guidelines (Richards et al. 2015 PMID: 25741868, with internal and published modifications).

Dr. Peter K. Rogan Lab, Western University
No classification provided (evidence only). Condition: Gastric cancer. Review status: no classification provided. Collection method: in vitro. Allele origin: not applicable. Functional consequence: retained intron. Not counted in ClinVar's aggregate classification.

Dr. Peter K. Rogan Lab, Western University
No classification provided (evidence only). Condition: Gastric cancer. Review status: no classification provided. Collection method: in vitro. Allele origin: not applicable. Functional consequence: retained intron. Not counted in ClinVar's aggregate classification.

Dr. Peter K. Rogan Lab, Western University
No classification provided (evidence only). Condition: Gastric cancer. Review status: no classification provided. Collection method: in vitro. Allele origin: not applicable. Functional consequence: retained intron. Not counted in ClinVar's aggregate classification.

Dr. Peter K. Rogan Lab, Western University
No classification provided (evidence only). Condition: Gastric cancer. Review status: no classification provided. Collection method: in vitro. Allele origin: not applicable. Functional consequence: retained intron. Not counted in ClinVar's aggregate classification.

Dr. Peter K. Rogan Lab, Western University
No classification provided (evidence only). Condition: Gastric cancer. Review status: no classification provided. Collection method: in vitro. Allele origin: not applicable. Functional consequence: retained intron. Not counted in ClinVar's aggregate classification.

Dr. Peter K. Rogan Lab, Western University
No classification provided (evidence only). Condition: Adrenocortical carcinoma, hereditary. Review status: no classification provided. Collection method: in vitro. Allele origin: not applicable. Functional consequence: retained intron. Not counted in ClinVar's aggregate classification.

Dr. Peter K. Rogan Lab, Western University
No classification provided (evidence only). Condition: Malignant tumor of esophagus. Review status: no classification provided. Collection method: in vitro. Allele origin: not applicable. Functional consequence: retained intron. Not counted in ClinVar's aggregate classification.

Dr. Peter K. Rogan Lab, Western University
No classification provided (evidence only). Condition: Malignant tumor of esophagus. Review status: no classification provided. Collection method: in vitro. Allele origin: not applicable. Functional consequence: retained intron. Not counted in ClinVar's aggregate classification.

Dr. Peter K. Rogan Lab, Western University
No classification provided (evidence only). Condition: Malignant tumor of esophagus. Review status: no classification provided. Collection method: in vitro. Allele origin: not applicable. Functional consequence: retained intron. Not counted in ClinVar's aggregate classification.

Dr. Peter K. Rogan Lab, Western University
No classification provided (evidence only). Condition: Clear cell carcinoma of kidney. Review status: no classification provided. Collection method: in vitro. Allele origin: not applicable. Functional consequence: retained intron. Not counted in ClinVar's aggregate classification.

Dr. Peter K. Rogan Lab, Western University
No classification provided (evidence only). Condition: Clear cell carcinoma of kidney. Review status: no classification provided. Collection method: in vitro. Allele origin: not applicable. Functional consequence: retained intron. Not counted in ClinVar's aggregate classification.

Dr. Peter K. Rogan Lab, Western University
No classification provided (evidence only). Condition: Clear cell carcinoma of kidney. Review status: no classification provided. Collection method: in vitro. Allele origin: not applicable. Functional consequence: retained intron. Not counted in ClinVar's aggregate classification.

Dr. Peter K. Rogan Lab, Western University
No classification provided (evidence only). Condition: Clear cell carcinoma of kidney. Review status: no classification provided. Collection method: in vitro. Allele origin: not applicable. Functional consequence: retained intron. Not counted in ClinVar's aggregate classification.

Dr. Peter K. Rogan Lab, Western University
No classification provided (evidence only). Condition: Lung cancer. Review status: no classification provided. Collection method: in vitro. Allele origin: not applicable. Functional consequence: retained intron. Not counted in ClinVar's aggregate classification.

Dr. Peter K. Rogan Lab, Western University
No classification provided (evidence only). Condition: Lung cancer. Review status: no classification provided. Collection method: in vitro. Allele origin: not applicable. Functional consequence: retained intron. Not counted in ClinVar's aggregate classification.

Dr. Peter K. Rogan Lab, Western University
No classification provided (evidence only). Condition: Lung cancer. Review status: no classification provided. Collection method: in vitro. Allele origin: not applicable. Functional consequence: retained intron. Not counted in ClinVar's aggregate classification.

Dr. Peter K. Rogan Lab, Western University
No classification provided (evidence only). Condition: Melanoma. Review status: no classification provided. Collection method: in vitro. Allele origin: not applicable. Functional consequence: retained intron. Not counted in ClinVar's aggregate classification.

Dr. Peter K. Rogan Lab, Western University
No classification provided (evidence only). Condition: Melanoma. Review status: no classification provided. Collection method: in vitro. Allele origin: not applicable. Functional consequence: retained intron. Not counted in ClinVar's aggregate classification.

Dr. Peter K. Rogan Lab, Western University
No classification provided (evidence only). Condition: Acute myeloid leukemia. Review status: no classification provided. Collection method: in vitro. Allele origin: not applicable. Functional consequence: retained intron. Not counted in ClinVar's aggregate classification.

Dr. Peter K. Rogan Lab, Western University
No classification provided (evidence only). Condition: Acute myeloid leukemia. Review status: no classification provided. Collection method: in vitro. Allele origin: not applicable. Functional consequence: retained intron. Not counted in ClinVar's aggregate classification.

Dr. Peter K. Rogan Lab, Western University
No classification provided (evidence only). Condition: Thyroid cancer, nonmedullary, 1. Review status: no classification provided. Collection method: in vitro. Allele origin: not applicable. Functional consequence: retained intron. Not counted in ClinVar's aggregate classification.

Dr. Peter K. Rogan Lab, Western University
No classification provided (evidence only). Condition: Thyroid cancer, nonmedullary, 1. Review status: no classification provided. Collection method: in vitro. Allele origin: not applicable. Functional consequence: retained intron. Not counted in ClinVar's aggregate classification.

Dr. Peter K. Rogan Lab, Western University
No classification provided (evidence only). Condition: Thyroid cancer, nonmedullary, 1. Review status: no classification provided. Collection method: in vitro. Allele origin: not applicable. Functional consequence: retained intron. Not counted in ClinVar's aggregate classification.

Dr. Peter K. Rogan Lab, Western University
No classification provided (evidence only). Condition: Thyroid cancer, nonmedullary, 1. Review status: no classification provided. Collection method: in vitro. Allele origin: not applicable. Functional consequence: retained intron. Not counted in ClinVar's aggregate classification.

Dr. Peter K. Rogan Lab, Western University
No classification provided (evidence only). Condition: Cervical cancer. Review status: no classification provided. Collection method: in vitro. Allele origin: not applicable. Functional consequence: retained intron. Not counted in ClinVar's aggregate classification.

Dr. Peter K. Rogan Lab, Western University
No classification provided (evidence only). Condition: Cervical cancer. Review status: no classification provided. Collection method: in vitro. Allele origin: not applicable. Functional consequence: retained intron. Not counted in ClinVar's aggregate classification.

Dr. Peter K. Rogan Lab, Western University
No classification provided (evidence only). Condition: Cervical cancer. Review status: no classification provided. Collection method: in vitro. Allele origin: not applicable. Functional consequence: retained intron. Not counted in ClinVar's aggregate classification.

Dr. Peter K. Rogan Lab, Western University
No classification provided (evidence only). Condition: Sarcoma. Review status: no classification provided. Collection method: in vitro. Allele origin: not applicable. Functional consequence: retained intron. Not counted in ClinVar's aggregate classification.

Dr. Peter K. Rogan Lab, Western University
No classification provided (evidence only). Condition: Sarcoma. Review status: no classification provided. Collection method: in vitro. Allele origin: not applicable. Functional consequence: retained intron. Not counted in ClinVar's aggregate classification.

Dr. Peter K. Rogan Lab, Western University
No classification provided (evidence only). Condition: Hepatocellular carcinoma. Review status: no classification provided. Collection method: in vitro. Allele origin: not applicable. Functional consequence: retained intron. Not counted in ClinVar's aggregate classification.

Dr. Peter K. Rogan Lab, Western University
No classification provided (evidence only). Condition: Nonpapillary renal cell carcinoma. Review status: no classification provided. Collection method: in vitro. Allele origin: not applicable. Functional consequence: retained intron. Not counted in ClinVar's aggregate classification.

Dr. Peter K. Rogan Lab, Western University
No classification provided (evidence only). Condition: Nonpapillary renal cell carcinoma. Review status: no classification provided. Collection method: in vitro. Allele origin: not applicable. Functional consequence: retained intron. Not counted in ClinVar's aggregate classification.

Dr. Peter K. Rogan Lab, Western University
No classification provided (evidence only). Condition: Thymoma. Review status: no classification provided. Collection method: in vitro. Allele origin: not applicable. Functional consequence: retained intron. Not counted in ClinVar's aggregate classification.

Dr. Peter K. Rogan Lab, Western University
No classification provided (evidence only). Condition: Ovarian serous cystadenocarcinoma. Review status: no classification provided. Collection method: in vitro. Allele origin: not applicable. Functional consequence: retained intron. Not counted in ClinVar's aggregate classification.

Dr. Peter K. Rogan Lab, Western University
No classification provided (evidence only). Condition: Ovarian serous cystadenocarcinoma. Review status: no classification provided. Collection method: in vitro. Allele origin: not applicable. Functional consequence: retained intron. Not counted in ClinVar's aggregate classification.

Dr. Peter K. Rogan Lab, Western University
No classification provided (evidence only). Condition: Gastric cancer. Review status: no classification provided. Collection method: in vitro. Allele origin: not applicable. Functional consequence: retained intron. Not counted in ClinVar's aggregate classification.